The following is an entry in ClinVar:

NM_000396.4(CTSK):c.158dup (p.Asn53fs)

Gene: CTSK (cathepsin K; minus strand). Cytogenetic location: 1q21.3.
Variant type: Duplication.
Coding change: c.158dup on transcript NM_000396.4 (MANE Select); coding-DNA position 158, one base duplicated (A; older notation c.158dupA).
Protein change: p.Asn53fs; shifts the reading frame from asparagine 53.
Molecular consequence: frameshift variant.
Genome position (GRCh38, 1-based): chr1:150,806,187, T duplicated on the plus strand (A on the coding strand, the reverse complement: CTSK is on the minus strand); the first of 7 consecutive T bases (chr1:150,806,187-150,806,193); duplicating any one gives the same sequence. VCF-style (leftmost placement, unchanged base first): chr1-150806186-G-GT. GRCh37 (hg19) VCF-style: chr1-150778662-G-GT.
Other names: c.158dupA (NM_000396.3); short protein forms N53fs.
Identifiers: ClinVar variation 954275 (VCV000954275.18), dbSNP rs764168526, ClinGen allele CA1080563.
Genomic context (GRCh38, chr1:150,806,186, plus strand): 5'-CAGTTCATATGTATGGACACCAAGAGAAGCCTCAAGGTTATGGATGGAAATATACTTCAG[G>GT]TTTTTTTCCCAAATTAAACGCCGAGAGATTTCATCCACCTAAACAAAGCATAGTCAGTAC-3'

ClinVar aggregate classification (germline): Pathogenic. Review status: criteria provided, multiple submitters, no conflicts (2 of 4 stars). 5 submissions from 5 submitters: Pathogenic (5). Last evaluated 2025-10-11.

Conditions:
Pyknodysostosis. Also called: Pycnodysostosis. Identifiers: Orphanet 763, MedGen C0238402, MONDO:0009940, OMIM 265800.

Submissions (5):

Natera, Inc.
Classification: Pathogenic for Pyknodysostosis. Last evaluated: 2025-10-11. Review status: criteria provided, single submitter. Criteria: Natera Variant Classification Schema (03/2026). Collection method: clinical testing. Allele origin: germline.
Comment: The c.158dupA variant in CTSK is a frameshift variant predicted to shift the reading frame beginning at codon 53 and leads to a stop codon 9 codons downstream. This variant is expected to result in nonsense mediated decay, truncation, or a dysfunctional protein product. This variant is rare in the general population with a frequency below the threshold expected for the associated phenotype(s). This variant has been observed in one or more individuals affected with the associated recessive disease, as either homozygous or compound heterozygous with a second variant (PMID: 33945887). Given the available evidence, this variant is classified as Pathogenic.

Labcorp Genetics (formerly Invitae), Labcorp
Classification: Pathogenic. Last evaluated: 2023-08-14. Review status: criteria provided, single submitter. Criteria: Invitae Variant Classification Sherloc (09022015). Collection method: clinical testing. Allele origin: germline.
Comment: This variant is present in population databases (rs764168526, gnomAD 0.03%). This sequence change creates a premature translational stop signal (p.Asn53Lysfs*9) in the CTSK gene. It is expected to result in an absent or disrupted protein product. Loss-of-function variants in CTSK are known to be pathogenic (PMID: 12125807, 21569238). This variant has not been reported in the literature in individuals affected with CTSK-related conditions. ClinVar contains an entry for this variant (Variation ID: 954275). Algorithms developed to predict the effect of sequence changes on RNA splicing suggest that this variant may disrupt the consensus splice site. For these reasons, this variant has been classified as Pathogenic.

Genome-Nilou Lab
Classification: Pathogenic for Pyknodysostosis. Last evaluated: 2023-04-11. Review status: criteria provided, single submitter. Criteria: ACMG Guidelines, 2015. Collection method: clinical testing. Allele origin: germline. Affected: no.

Revvity Omics, Revvity
Classification: Pathogenic for Pyknodysostosis. Last evaluated: 2019-05-21. Review status: criteria provided, single submitter. Criteria: ACMG Guidelines, 2015. Collection method: clinical testing. Allele origin: germline.

Department of Medical Genetics, Sanjay Gandhi Post Graduate Institute of Medical Sciences
Classification: Pathogenic for Pyknodysostosis. Review status: criteria provided, single submitter. Criteria: ACMG Guidelines, 2015. Collection method: research. Allele origin: germline. Inheritance: Autosomal recessive inheritance. Affected: yes. Observed: 1 homozygote.

Literature cited by the submitters: PubMed 33945887 (cited by Natera, Inc.); PubMed 12125807 (cited by Labcorp Genetics (formerly Invitae), Labcorp); PubMed 21569238 (cited by Labcorp Genetics (formerly Invitae), Labcorp).